The following is an entry in ClinVar:

NM_031433.4(MFRP):c.950A>G (p.Tyr317Cys)

Genes: C1QTNF5 (C1q and TNF related 5; minus strand), MFRP (membrane frizzled-related protein; minus strand). Cytogenetic location: 11q23.3.
Variant type: single nucleotide variant.
Coding change: c.950A>G on transcript NM_031433.4 (MANE Select); coding-DNA position 950, A replaced by G.
Protein change: p.Tyr317Cys; replaces tyrosine 317 with cysteine.
Molecular consequence: missense variant. On other transcripts: 5 prime UTR variant (1).
Genome position (GRCh38, 1-based): chr11:119,344,340, T>C on the plus strand (A>G on the coding strand, the complement: MFRP is on the minus strand). VCF-style: chr11-119344340-T-C. GRCh37 (hg19) VCF-style: chr11-119215050-T-C.
Other names: c.-1687A>G (NM_015645.5); short protein forms Y317C.
Identifiers: ClinVar variation 167295 (VCV000167295.14), dbSNP rs151160924, ClinGen allele CA017157.

ClinVar aggregate classification (germline): Conflicting classifications of pathogenicity. Review status: criteria provided, conflicting classifications (1 of 4 stars). 4 submissions from 4 submitters: Uncertain significance (3); Likely benign (1). Last evaluated 2024-08-30.

Conditions:
Inborn genetic diseases. Identifiers: MedGen C0950123, MeSH D030342.
Isolated microphthalmia 5. Also called: Posterior Microphthalmia with Retinitis Pigmentosa, Foveoschisis, and Optic Disc Drusen. Identifiers: Orphanet 251279, MedGen C1970236, MONDO:0012605, OMIM 611040.

Allele frequency attached by ClinVar (database versions not stated): TOPMed 0.00013; gnomAD 0.00019; gnomAD exomes 0.00016.
gnomAD v4.1: 249 of 1,613,748 alleles (0.015%); highest among the groups gnomAD compares: Non-Finnish European, 0.014%; 1 homozygote.

Submissions (4):

Blueprint Genetics
Classification: Likely benign. Last evaluated: 2024-08-30. Review status: criteria provided, single submitter. Criteria: ACMG Guidelines, 2015. Collection method: clinical testing. Allele origin: germline.

Ambry Genetics
Classification: Uncertain significance for Inborn genetic diseases. Last evaluated: 2022-11-08. Review status: criteria provided, single submitter. Criteria: Ambry Variant Classification Scheme 2023. Collection method: clinical testing. Allele origin: germline.

Labcorp Genetics (formerly Invitae), Labcorp
Classification: Uncertain significance for Isolated microphthalmia 5. Last evaluated: 2022-04-04. Review status: criteria provided, single submitter. Criteria: Invitae Variant Classification Sherloc (09022015). Collection method: clinical testing. Allele origin: germline.
Comment: This sequence change replaces tyrosine, which is neutral and polar, with cysteine, which is neutral and slightly polar, at codon 317 of the MFRP protein (p.Tyr317Cys). This variant is present in population databases (rs151160924, gnomAD 0.1%). This variant has not been reported in the literature in individuals affected with MFRP-related conditions. ClinVar contains an entry for this variant (Variation ID: 167295). Algorithms developed to predict the effect of missense changes on protein structure and function are either unavailable or do not agree on the potential impact of this missense change (SIFT: "Deleterious"; PolyPhen-2: "Possibly Damaging"; Align-GVGD: "Class C0"). In summary, the available evidence is currently insufficient to determine the role of this variant in disease. Therefore, it has been classified as a Variant of Uncertain Significance.

Eurofins Ntd Llc (ga)
Classification: Uncertain significance. Last evaluated: 2014-03-19. Review status: criteria provided, single submitter. Criteria: EGL Classification Definitions 2015. Collection method: clinical testing. Allele origin: germline. Observed: 1 variant allele, 1 heterozygote.